The following is an entry in ClinVar:

ClinVar aggregate classification (germline): Uncertain significance (1 of 4 stars; one submission).

Conditions:
Long QT syndrome (LQTS). Identifiers: MedGen C0023976, MeSH D008133, MONDO:0002442. Disease mechanism: loss of function. Inheritance: Various modes of inheritance.

Allele frequency attached by ClinVar (database versions not stated): gnomAD exomes below 0.00001.
gnomAD v4.1: 3 of 1,614,252 alleles (0.00019%); highest among the groups gnomAD compares: Non-Finnish European, 0.00017%; no homozygotes.

Submission:

All of Us Research Program, National Institutes of Health
Classification: Uncertain significance for Long QT syndrome. Last evaluated: 2023-03-09. Review status: criteria provided, single submitter. Criteria: ACMG Guidelines, 2015. Collection method: clinical testing. Allele origin: germline. Inheritance: Autosomal dominant inheritance. Observed: 1 variant allele, 1 heterozygote.
Comment: This missense variant replaces arginine with lysine at codon 814 of the KCNH2 protein. Computational prediction is inconclusive regarding the impact of this variant on protein structure and function (internally defined REVEL score threshold 0.5 < inconclusive < 0.7, PMID: 27666373). To our knowledge, functional studies have not been reported for this variant. This variant has not been reported in individuals affected with KCNH2-related disorders in the literature. This variant has not been identified in the general population by the Genome Aggregation Database (gnomAD). The available evidence is insufficient to determine the role of this variant in disease conclusively. Therefore, this variant is classified as a Variant of Uncertain Significance.

This study involves interpretation of variants in research participants for the purpose of population health screening. Participant phenotype was not available at the time of variant classification. Additional details can be found in publication PMID: 35346344, PMCID: PMC8962531

NM_000238.4(KCNH2):c.2441G>A (p.Arg814Lys)

Gene: KCNH2 (potassium voltage-gated channel subfamily H member 2; minus strand). Cytogenetic location: 7q36.1.
Variant type: single nucleotide variant.
Coding change: c.2441G>A on transcript NM_000238.4 (MANE Select); coding-DNA position 2441, G replaced by A.
Protein change: p.Arg814Lys; replaces arginine 814 with lysine.
Molecular consequence: missense variant. On other transcripts: non-coding transcript variant (2).
Genome position (GRCh38, 1-based): chr7:150,949,007, C>T on the plus strand (G>A on the coding strand, the complement: KCNH2 is on the minus strand). VCF-style: chr7-150949007-C-T. GRCh37 (hg19) VCF-style: chr7-150646095-C-T.
Other names: c.2153G>A, p.Arg718Lys (NM_001406753.1); c.1421G>A, p.Arg474Lys (NM_172057.3); short protein forms R474K, R718K, R814K.
Identifiers: ClinVar variation 3069826 (VCV003069826.1), dbSNP rs2116941234, ClinGen allele CA369855290.